The following is an entry in ClinVar:

ClinVar aggregate classification (germline): Conflicting classifications of pathogenicity. Review status: criteria provided, conflicting classifications (1 of 4 stars). 2 submissions from 2 submitters: Uncertain significance (1); Likely benign (1). Last evaluated 2023-07-03.

Conditions:
Hypertrophic cardiomyopathy. Also called: HYPERTROPHIC MYOCARDIOPATHY. Identifiers: Orphanet 217569, MedGen C0007194, MeSH D002312, MONDO:0005045, HP:0001639.

Submissions (2):

Labcorp Genetics (formerly Invitae), Labcorp
Classification: Likely benign for Hypertrophic cardiomyopathy. Last evaluated: 2023-07-03. Review status: criteria provided, single submitter. Criteria: Invitae Variant Classification Sherloc (09022015). Collection method: clinical testing. Allele origin: germline.

GeneDx
Classification: Uncertain significance. Last evaluated: 2023-06-22. Review status: criteria provided, single submitter. Criteria: GeneDx Variant Classification Process June 2021. Collection method: clinical testing. Allele origin: germline. Affected: yes.
Comment: Has not been previously published as pathogenic or benign to our knowledge; Not observed at significant frequency in large population cohorts (gnomAD); In silico analysis is inconclusive as to whether the variant alters gene splicing. In the absence of RNA/functional studies, the actual effect of this sequence change is unknown.

NM_000257.4(MYH7):c.5791-10_5791-6dup

Gene: MYH7 (myosin heavy chain 7; minus strand). Cytogenetic location: 14q11.2.
Variant type: Duplication.
Coding change: c.5791-10_5791-6dup on transcript NM_000257.4 (MANE Select); 10 bases into the intron before coding-DNA position 5791 through 6 bases into the intron before coding-DNA position 5791, 5 bases duplicated (CTTTC; older notation c.5791-10_5791-6dupCTTTC).
Molecular consequence: intron variant.
Genome position (GRCh38, 1-based): chr14:23,412,877-23,412,881, GAAAG duplicated on the plus strand (CTTTC on the coding strand, the reverse complement: MYH7 is on the minus strand); duplicating any 5 consecutive bases within chr14:23,412,877-23,412,885 gives the same sequence; the c. name uses the placement nearest the transcript's 3' end. VCF-style (leftmost placement, unchanged base first): chr14-23412876-T-TGAAAG. GRCh37 (hg19) VCF-style: chr14-23882085-T-TGAAAG.
Other names: c.5791-10_5791-6dup (NM_001407004.1).
Identifiers: ClinVar variation 2990384 (VCV002990384.4), dbSNP rs2502229732, ClinGen allele CA2740097715.